The following is an entry in ClinVar:

NM_006164.5(NFE2L2):c.518C>A (p.Ala173Asp)

Gene: NFE2L2 (NFE2 like bZIP transcription factor 2; minus strand). Cytogenetic location: 2q31.2.
Variant type: single nucleotide variant.
Coding change: c.518C>A on transcript NM_006164.5 (MANE Select); coding-DNA position 518, C replaced by A.
Protein change: p.Ala173Asp; replaces alanine 173 with aspartic acid.
Molecular consequence: missense variant.
Genome position (GRCh38, 1-based): chr2:177,232,468, G>T on the plus strand (C>A on the coding strand, the complement: NFE2L2 is on the minus strand). VCF-style: chr2-177232468-G-T. GRCh37 (hg19) VCF-style: chr2-178097196-G-T.
Other names: c.470C>A, p.Ala157Asp (NM_001145412.3, NM_001313900.1, NM_001313901.1); c.449C>A, p.Ala150Asp (NM_001145413.3); c.428C>A, p.Ala143Asp (NM_001313902.2); c.299C>A, p.Ala100Asp (NM_001313903.2); c.218C>A, p.Ala73Asp (NM_001313904.1); short protein forms A150D, A157D, A100D, A173D, A143D, A73D.
Identifiers: ClinVar variation 4704066 (VCV004704066.1).

ClinVar aggregate classification (germline): Uncertain significance (1 of 4 stars; one submission).

gnomAD v4.1: 7 of 1,614,136 alleles (0.00043%); highest among the groups gnomAD compares: Non-Finnish European, 0.00051%; no homozygotes.

Submission:

Labcorp Genetics (formerly Invitae), Labcorp
Classification: Uncertain significance. Last evaluated: 2025-11-04. Review status: criteria provided, single submitter. Criteria: Invitae Variant Classification Sherloc (09022015). Collection method: clinical testing. Allele origin: germline.
Comment: This sequence change replaces alanine, which is neutral and non-polar, with aspartic acid, which is acidic and polar, at codon 173 of the NFE2L2 protein (p.Ala173Asp). This variant is not present in population databases (gnomAD no frequency). This variant has not been reported in the literature in individuals affected with NFE2L2-related conditions. Invitae Evidence Modeling of protein sequence and biophysical properties (such as structural, functional, and spatial information, amino acid conservation, physicochemical variation, residue mobility, and thermodynamic stability) indicates that this missense variant is not expected to disrupt NFE2L2 protein function with a negative predictive value of 80%. In summary, the available evidence is currently insufficient to determine the role of this variant in disease. Therefore, it has been classified as a Variant of Uncertain Significance.